The following is an entry in ClinVar:

NM_003738.5(PTCH2):c.1880C>G (p.Pro627Arg)

Gene: PTCH2 (patched 2; minus strand). Cytogenetic location: 1p34.1.
Variant type: single nucleotide variant.
Coding change: c.1880C>G on transcript NM_003738.5 (MANE Select); coding-DNA position 1880, C replaced by G.
Protein change: p.Pro627Arg; replaces proline 627 with arginine.
Molecular consequence: missense variant.
Genome position (GRCh38, 1-based): chr1:44,828,021, G>C on the plus strand (C>G on the coding strand, the complement: PTCH2 is on the minus strand). VCF-style: chr1-44828021-G-C. GRCh37 (hg19) VCF-style: chr1-45293693-G-C.
Other names: c.1880C>G, p.Pro627Arg (NM_001166292.2); short protein forms P627R.
Identifiers: ClinVar variation 956513 (VCV000956513.11), dbSNP rs554684439, ClinGen allele CA823154.
Genomic context (GRCh38, chr1:44,828,021, plus strand): 5'-CCTAGAAGGTCCCGTGTGGACCCTCCAGGGCTGAAGAGCTCAGAGCCCAGTGGGTCAGAA[G>C]GTGGGGGCACCAGGTGGGCTTGGGGAGGCAGGATGGTGACCACATGCTGGCTGCTGGCTT-3'
Protein context (NP_003729.3, residues 617-637): LPPQAHLVPP[Pro627Arg]SDPLGSELFS

ClinVar aggregate classification (germline): Uncertain significance. Review status: criteria provided, multiple submitters, no conflicts (2 of 4 stars). 4 submissions from 4 submitters: Uncertain significance (4). Last evaluated 2026-02-20.

Conditions:
Gorlin syndrome. Also called: Basal cell nevus syndrome; Nevoid Basal Cell Carcinoma Syndrome. Identifiers: Orphanet 377, MedGen C0004779, MONDO:0007187.
PTCH2-related disorder. Also called: PTCH2-related condition; PTCH2-related disease.
Basal cell nevus syndrome 1 (BCNS1). Also called: GORLIN-GOLTZ SYNDROME; MULTIPLE BASAL CELL NEVI, ODONTOGENIC KERATOCYSTS, AND SKELETAL ANOMALIES. Identifiers: MedGen CN376810, MONDO:0958174, OMIM 109400.

Allele frequency attached by ClinVar (database versions not stated): ExAC 0.00001; gnomAD exomes 0.00002; TOPMed 0.00014; gnomAD 0.00015 and 0.00018; 1000 Genomes Project 30x 0.00016; 1000 Genomes Project 0.00020.
gnomAD v4.1: 37 of 1,614,244 alleles (0.0023%); highest among the groups gnomAD compares: African/African-American, 0.045%; no homozygotes.

Submissions (4):

St. Jude Molecular Pathology, St. Jude Children's Research Hospital
Classification: Uncertain significance for Basal cell nevus syndrome 1. Last evaluated: 2026-02-20. Review status: criteria provided, single submitter. Criteria: St. Jude Assertion Criteria 2020. Collection method: clinical testing. Allele origin: germline.
Comment: The PTCH2 c.1880C>G change.Pathogenic variants in PTCH1 are associated with nevoid basal cell carcinoma syndrome, a rare autosomal dominant condition characterized by multiple early-onset basal cell carcinoma (BCC), multiple jaw keratocysts, and skeletal abnormalities (OMIM ID: 10 9400). Nevoid basal cell carcinoma syndrome is also known as Gorlin syndrome. The PTCH1 c.1880C>G p.(Pro627Arg) missense change has a maximum subpopulation frequency of 0.048% in gnomAD v2.1.1. The in silico tool REVE L predicts a benign effect on protein function, but to our knowledge this prediction has not been confirmed by functional studies. To our knowledge, this variant has not been reported in individuals with nevoid basal cell carcinoma syndrome. In summary, the evidence currently available is insufficient to determine the clinical significance of this variant. It has therefore been classified as of uncertain significance.

Labcorp Genetics (formerly Invitae), Labcorp
Classification: Uncertain significance for Gorlin syndrome. Last evaluated: 2025-12-09. Review status: criteria provided, single submitter. Criteria: Invitae Variant Classification Sherloc (09022015). Collection method: clinical testing. Allele origin: germline.
Comment: This sequence change replaces proline, which is neutral and non-polar, with arginine, which is basic and polar, at codon 627 of the PTCH2 protein (p.Pro627Arg). This variant is present in population databases (rs554684439, gnomAD 0.05%), and has an allele count higher than expected for a pathogenic variant. This variant has not been reported in the literature in individuals affected with PTCH2-related conditions. ClinVar contains an entry for this variant (Variation ID: 956513). Invitae Evidence Modeling of protein sequence and biophysical properties (such as structural, functional, and spatial information, amino acid conservation, physicochemical variation, residue mobility, and thermodynamic stability) indicates that this missense variant is not expected to disrupt PTCH2 protein function with a negative predictive value of 80%. In summary, the available evidence is currently insufficient to determine the role of this variant in disease. Therefore, it has been classified as a Variant of Uncertain Significance.

PreventionGenetics, part of Exact Sciences
Classification: Uncertain significance for PTCH2-related condition. Last evaluated: 2025-08-05. Review status: criteria provided, single submitter. Criteria: ACMG Guidelines, 2015. Collection method: clinical testing. Allele origin: germline.
Comment: The PTCH2 c.1880C>G variant is predicted to result in the amino acid substitution p.Pro627Arg. To our knowledge, this variant has not been reported in the literature. This variant is reported in 0.048% of alleles in individuals of African descent in gnomAD and is interpreted as uncertain significance in ClinVar (Variation ID: 956513). At this time, the clinical significance of this variant is uncertain due to the absence of conclusive functional and genetic evidence.

Ambry Genetics
Classification: Uncertain significance. Last evaluated: 2025-05-06. Review status: criteria provided, single submitter. Criteria: Ambry Variant Classification Scheme 2023. Collection method: clinical testing. Allele origin: germline.